The following is an entry in ClinVar:

ClinVar aggregate classification (germline): Conflicting classifications of pathogenicity. Review status: criteria provided, conflicting classifications (1 of 4 stars). 7 submissions from 5 submitters: Uncertain significance (4); Likely benign (3). Last evaluated 2025-07-24.

Conditions:
Diabetes mellitus, transient neonatal, 2 (TNDM2). Identifiers: Orphanet 99886, MedGen C1835887, MONDO:0012480, OMIM 610374. Disease mechanism: loss of function.
Hyperinsulinemic hypoglycemia, familial, 1 (HHF1). Also called: HYPERINSULINISM, FAMILIAL, WITH PANCREATIC NESIDIOBLASTOSIS; HYPOGLYCEMIA, HYPERINSULINEMIC, OF INFANCY; NESIDIOBLASTOSIS OF PANCREAS; Persistent hyperinsulinemic hypoglycemia of infancy; Persistent Hyperinsulinemia Hypoglycemia of Infancy. Identifiers: Orphanet 276575, Orphanet 276598, MedGen C2931832, MONDO:0009734, OMIM 256450.
Permanent neonatal diabetes mellitus (PNDM). Identifiers: Orphanet 99885, MedGen C1833104, MONDO:0100164, MONDO:0011643. Disease mechanism: gain of function.

Allele frequency attached by ClinVar (database versions not stated): ExAC 0.00001; gnomAD 0.00001; gnomAD exomes 0.00001 and 0.00002; TOPMed 0.00001.

Submissions (7):

Women's Health and Genetics/Laboratory Corporation of America, LabCorp
Classification: Likely benign. Last evaluated: 2025-07-24. Review status: criteria provided, single submitter. Criteria: LabCorp Variant Classification Summary - May 2015. Collection method: clinical testing. Allele origin: germline.
Comment: Variant summary: ABCC8 c.4545+9T>C alters a conserved nucleotide located at a position not widely known to affect splicing. Consensus agreement among computation tools predict no significant impact on normal splicing. However, these predictions have yet to be confirmed by functional studies. The variant allele was found at a frequency of 1.2e-05 in 250914 control chromosomes (gnomAD). The available data on variant occurrences in the general population are insufficient to allow any conclusion about variant significance. To our knowledge, no occurrence of c.4545+9T>C in individuals affected with Familial Hyperinsulinism and no experimental evidence demonstrating its impact on protein function have been reported. ClinVar contains an entry for this variant (Variation ID: 877783). Based on the evidence outlined above, the variant was classified as likely benign.

Blueprint Genetics
Classification: Likely benign. Last evaluated: 2024-08-11. Review status: criteria provided, single submitter. Criteria: ACMG Guidelines, 2015. Collection method: clinical testing. Allele origin: germline.

Labcorp Genetics (formerly Invitae), Labcorp
Classification: Likely benign. Last evaluated: 2023-02-02. Review status: criteria provided, single submitter. Criteria: Invitae Variant Classification Sherloc (09022015). Collection method: clinical testing. Allele origin: germline.

Illumina Laboratory Services, Illumina
Classification: Uncertain significance for Permanent neonatal diabetes mellitus 1. Last evaluated: 2018-01-13. Review status: criteria provided, single submitter. Criteria: ICSL Variant Classification Criteria 13 December 2019. Collection method: clinical testing. Allele origin: germline.

Illumina Laboratory Services, Illumina
Classification: Uncertain significance for Hyperinsulinemic hypoglycemia, familial, 1. Last evaluated: 2018-01-13. Review status: criteria provided, single submitter. Criteria: ICSL Variant Classification Criteria 13 December 2019. Collection method: clinical testing. Allele origin: germline.

Illumina Laboratory Services, Illumina
Classification: Uncertain significance for Diabetes mellitus, transient neonatal, 2. Last evaluated: 2018-01-13. Review status: criteria provided, single submitter. Criteria: ICSL Variant Classification Criteria 13 December 2019. Collection method: clinical testing. Allele origin: germline.

Clinical Genomics, Uppaluri K&H Personalized Medicine Clinic
Classification: Uncertain significance for Diabetes mellitus, transient neonatal, 2. Review status: criteria provided, single submitter. Criteria: K And H Uppaluri Personalized Medicine Clinic Variant Classification And Assertion Criteria Updated V 2. Collection method: research. Allele origin: unknown.
Comment: Potent mutations in ABCC8 gene are associated with both neonatal diabetes mellitus as well as MODY. Patients with this mutation may have a better response to sulfonylureas. However, no sufficient evidence is found to ascertain the role of this particular variant rs775018351 in neonatal diabetes yet.

Literature cited by the submitters: PubMed 16885549 (cited by Clinical Genomics, Uppaluri K&H Personalized Medicine Clinic); PubMed 21989597 (cited by Clinical Genomics, Uppaluri K&H Personalized Medicine Clinic); PubMed 27538677 (cited by Clinical Genomics, Uppaluri K&H Personalized Medicine Clinic); PubMed 18981553 (cited by Clinical Genomics, Uppaluri K&H Personalized Medicine Clinic); PubMed 32027066 (cited by Clinical Genomics, Uppaluri K&H Personalized Medicine Clinic); PubMed 16613899 (cited by Clinical Genomics, Uppaluri K&H Personalized Medicine Clinic); PubMed 18025408 (cited by Clinical Genomics, Uppaluri K&H Personalized Medicine Clinic); PubMed 32792356 (cited by Clinical Genomics, Uppaluri K&H Personalized Medicine Clinic).

NM_000352.6(ABCC8):c.4545+9T>C

Gene: ABCC8 (ATP binding cassette subfamily C member 8; minus strand). Cytogenetic location: 11p15.1.
Variant type: single nucleotide variant.
Coding change: c.4545+9T>C on transcript NM_000352.6 (MANE Select); 9 bases into the intron after coding-DNA position 4545, T replaced by C.
Molecular consequence: intron variant.
Genome position (GRCh38, 1-based): chr11:17,394,257, A>G on the plus strand (T>C on the coding strand, the complement: ABCC8 is on the minus strand). VCF-style: chr11-17394257-A-G. GRCh37 (hg19) VCF-style: chr11-17415804-A-G.
Other names: c.4542+9T>C (NM_001351297.2); c.4545+9T>C (NM_001351296.2); c.4611+9T>C (NM_001351295.2); c.4548+9T>C (NM_001287174.3).
Identifiers: ClinVar variation 877783 (VCV000877783.14), dbSNP rs775018351, ClinGen allele CA5902449.
Genomic context (GRCh38, chr11:17,394,257, plus strand): 5'-AAATTTCTCCCTAGCATCCCACTAAACCCTTTCCAAGACCATGGTCCCATGGAGGGGCCC[A>G]GGACCAACCGTGGCCATGTCAATGGAAGCCGTGGCCTCGTCCATGATGAAGATGCTGGTC-3'